The following is an entry in ClinVar:

ClinVar aggregate classification (germline): Uncertain significance (1 of 4 stars; one submission).

Submission:

CeGaT Center for Human Genetics Tuebingen
Classification: Uncertain significance. Last evaluated: 2022-09-01. Review status: criteria provided, single submitter. Criteria: CeGaT Center For Human Genetics Tuebingen Variant Classification Criteria Version 2. Collection method: clinical testing. Allele origin: germline. Affected: yes. Observed: 1 variant allele.
Comment: TTN: PM2, BP4

NM_001267550.2(TTN):c.11311+5551G>A

Genes: TTN (titin; minus strand), LOC126806432 (CDK7 strongly-dependent group 2 enhancer GRCh37_chr2:179611985-179613184; plus strand). Cytogenetic location: 2q31.2.
Variant type: single nucleotide variant.
Coding change: c.11311+5551G>A on transcript NM_001267550.2 (MANE Select); 5551 bases into the intron after coding-DNA position 11311, G replaced by A.
Molecular consequence: intron variant. On other transcripts: missense variant (1).
Genome position (GRCh38, 1-based): chr2:178,747,573, C>T on the plus strand (G>A on the coding strand, the complement: TTN is on the minus strand). VCF-style: chr2-178747573-C-T. GRCh37 (hg19) VCF-style: chr2-179612300-C-T.
Other names: c.14827G>A, p.Val4943Ile (NM_133379.5); c.10222+5551G>A (NM_003319.4); c.10798+5551G>A (NM_133437.4); c.10597+5551G>A (NM_133432.3); c.10360+5551G>A (NM_133378.4, NM_001256850.1); short protein forms V4943I.
Identifiers: ClinVar variation 2651700 (VCV002651700.24), dbSNP rs2531138323, ClinGen allele CA349639962.